The following is an entry in ClinVar:

NM_019066.5(MAGEL2):c.2319del (p.Ala772_Trp773insTer)

Gene: MAGEL2 (MAGE family member L2; minus strand). Cytogenetic location: 15q11.2.
Variant type: Deletion.
Coding change: c.2319del on transcript NM_019066.5 (MANE Select); coding-DNA position 2319, one base deleted (G; older notation c.2319delG).
Protein change: p.Ala772_Trp773insTer.
Molecular consequence: nonsense.
Genome position (GRCh38, 1-based): chr15:23,645,424, C deleted on the plus strand (G on the coding strand, the reverse complement: MAGEL2 is on the minus strand); the first of 2 consecutive C bases (chr15:23,645,424-23,645,425); deleting either gives the same sequence. VCF-style (leftmost placement, unchanged base first): chr15-23645423-TC-T. GRCh37 (hg19) VCF-style: chr15-23890570-TC-T.
Identifiers: ClinVar variation 2626921 (VCV002626921.1), dbSNP rs2503977497, ClinGen allele CA2582341773.

ClinVar aggregate classification (germline): Likely pathogenic (1 of 4 stars; one submission).

Conditions:
Schaaf-Yang syndrome (SHFYNG). Also called: MAGEL2-related Prader-Willi-like syndrome; Arthrogryposis, distal, with hypopituitarism, intellectual disability, and facial anomalies. Identifiers: Orphanet 398069, MedGen C5575066, MONDO:0014243, OMIM 615547.

Submission:

Greenwood Genetic Center Diagnostic Laboratories, Greenwood Genetic Center
Classification: Likely pathogenic for Schaaf-Yang syndrome. Last evaluated: 2023-09-05. Review status: criteria provided, single submitter. Criteria: ACMG Guidelines, 2015. Collection method: clinical testing. Allele origin: germline. Affected: yes.
Comment: PVS1, PM2